The following is an entry in ClinVar:

ClinVar aggregate classification (germline): Uncertain significance (1 of 4 stars; one submission).

Conditions:
Syndromic multisystem autoimmune disease due to ITCH deficiency. Also called: AUTOIMMUNE DISEASE, MULTISYSTEM, WITH FACIAL DYSMORPHISM. Identifiers: Orphanet 228426, MedGen C3150649, MONDO:0013245, OMIM 613385.

Allele frequency attached by ClinVar (database versions not stated): gnomAD exomes below 0.00001; TOPMed 0.00001.
gnomAD v4.1: 1 of 1,613,718 alleles (0.000062%); no homozygotes.

Submission:

Labcorp Genetics (formerly Invitae), Labcorp
Classification: Uncertain significance for Syndromic multisystem autoimmune disease due to ITCH deficiency. Last evaluated: 2020-12-14. Review status: criteria provided, single submitter. Criteria: Invitae Variant Classification Sherloc (09022015). Collection method: clinical testing. Allele origin: germline.
Comment: This sequence change replaces tryptophan with leucine at codon 36 of the ITCH protein (p.Trp36Leu). The tryptophan residue is moderately conserved and there is a small physicochemical difference between tryptophan and leucine. This variant is not present in population databases (ExAC no frequency). This variant has not been reported in the literature in individuals with ITCH-related conditions. Algorithms developed to predict the effect of missense changes on protein structure and function are either unavailable or do not agree on the potential impact of this missense change (SIFT: "Not Available"; PolyPhen-2: "Probably Damaging"; Align-GVGD: "Not Available"). In summary, the available evidence is currently insufficient to determine the role of this variant in disease. Therefore, it has been classified as a Variant of Uncertain Significance.

NM_031483.7(ITCH):c.107G>T (p.Trp36Leu)

Gene: ITCH (itchy E3 ubiquitin protein ligase; plus strand). Cytogenetic location: 20q11.22.
Variant type: single nucleotide variant.
Coding change: c.107G>T on transcript NM_031483.7 (MANE Select); coding-DNA position 107, G replaced by T.
Protein change: p.Trp36Leu; replaces tryptophan 36 with leucine.
Molecular consequence: missense variant. On other transcripts: intron variant (1).
Genome position (GRCh38, 1-based): chr20:34,408,687, G>T. VCF-style: chr20-34408687-G-T. GRCh37 (hg19) VCF-style: chr20-32996493-G-T.
Other names: c.107G>T, p.Trp36Leu (NM_001257137.3, NM_001324197.2, NM_001324198.2); c.-118-3828G>T (NM_001257138.3); short protein forms W36L.
Identifiers: ClinVar variation 1522204 (VCV001522204.6), dbSNP rs1978501760, ClinGen allele CA408661235.
Genomic context (GRCh38, chr20:34,408,687, plus strand): 5'-ATGTTTTTCATTTCTTTTACATAGTCATCTCAGCAAAACTTAAGGAAAATAAGAAGAATT[G>T]GTTTGGACCAAGTCCTTACGTAGAGGTCACAGTAGATGGACAGTCAAAGAAGACAGAAAA-3'
Protein context (NP_113671.3, residues 26-46): SAKLKENKKN[Trp36Leu]FGPSPYVEVT